The following is an entry in ClinVar:

NM_019108.4(SMG9):c.1426C>T (p.Gln476Ter)

Gene: SMG9 (SMG9 nonsense mediated mRNA decay factor; minus strand). Cytogenetic location: 19q13.31.
Variant type: single nucleotide variant.
Coding change: c.1426C>T on transcript NM_019108.4 (MANE Select); coding-DNA position 1426, C replaced by T.
Protein change: p.Gln476Ter; replaces glutamine 476 with a stop codon.
Molecular consequence: nonsense.
Genome position (GRCh38, 1-based): chr19:43,732,916, G>A on the plus strand (C>T on the coding strand, the complement: SMG9 is on the minus strand). VCF-style: chr19-43732916-G-A. GRCh37 (hg19) VCF-style: chr19-44237068-G-A.
Other names: short protein forms Q476*.
Identifiers: ClinVar variation 3251378 (VCV003251378.1), dbSNP rs377252810.

ClinVar aggregate classification (germline): Pathogenic (1 of 4 stars; one submission).

Conditions:
Neurodevelopmental disorder with intention tremor, pyramidal signs, dyspraxia, and ocular anomalies (NEDITPO). Identifiers: MedGen C5774196, MONDO:0859274, OMIM 619995.

Allele frequency attached by ClinVar (database versions not stated): gnomAD exomes below 0.00001; TOPMed below 0.00001; gnomAD 0.00001; ExAC 0.00002; ESP Exome Variant Server 0.00008.
gnomAD v4.1: 8 of 1,613,912 alleles (0.0005%); highest among the groups gnomAD compares: Non-Finnish European, 0.00068%; no homozygotes.

Submission:

Women's Health and Genetics/Laboratory Corporation of America, LabCorp
Classification: Pathogenic for Neurodevelopmental disorder with intention tremor, pyramidal signs, dyspraxia, and ocular anomalies. Last evaluated: 2024-04-10. Review status: criteria provided, single submitter. Criteria: LabCorp Variant Classification Summary - May 2015. Collection method: clinical testing. Allele origin: germline.
Comment: Variant summary: SMG9 c.1426C>T (p.Gln476X) results in a premature termination codon, predicted to cause a truncation of the encoded protein or absence of the protein due to nonsense mediated decay, which are commonly known mechanisms for disease. The variant allele was found at a frequency of 2e-05 in 251316 control chromosomes. To our knowledge, no occurrence of c.1426C>T in individuals affected with Neurodevelopmental Disorder With Intention Tremor, Pyramidal Signs, Dyspraxia, And Ocular Anomalies and no experimental evidence demonstrating its impact on protein function have been reported. No submitters have cited clinical-significance assessments for this variant to ClinVar. Based on the evidence outlined above, the variant was classified as pathogenic.